The following is an entry in ClinVar:

ClinVar aggregate classification (germline): Benign/Likely benign. Review status: criteria provided, multiple submitters, no conflicts (2 of 4 stars). 5 submissions from 5 submitters: Benign (1); Likely benign (3). 1 of the submissions does not count toward it. Last evaluated 2026-01-12.

Conditions:
TTBK2-related disorder. Also called: TTBK2-related condition.

Allele frequency attached by ClinVar (database versions not stated): ExAC 0.00012; gnomAD exomes 0.00017; gnomAD 0.00023 and 0.00024; TOPMed 0.00023; ESP Exome Variant Server 0.00041.
gnomAD v4.1: 581 of 1,614,062 alleles (0.036%); highest among the groups gnomAD compares: Non-Finnish European, 0.045%; no homozygotes.

Submissions (5):

Labcorp Genetics (formerly Invitae), Labcorp
Classification: Likely benign. Last evaluated: 2026-01-12. Review status: criteria provided, single submitter. Criteria: Invitae Variant Classification Sherloc (09022015). Collection method: clinical testing. Allele origin: germline.

CeGaT Center for Human Genetics Tuebingen
Classification: Likely benign. Last evaluated: 2025-09-01. Review status: criteria provided, single submitter. Criteria: CeGaT Center For Human Genetics Tuebingen Variant Classification Criteria Version 2. Collection method: clinical testing. Allele origin: germline. Affected: yes. Observed: 2 variant alleles.
Comment: TTBK2: BP4, BP7

Blueprint Genetics
Classification: Likely benign. Last evaluated: 2024-05-17. Review status: criteria provided, single submitter. Criteria: ACMG Guidelines, 2015. Collection method: clinical testing. Allele origin: germline.

Athena Diagnostics
Classification: Benign. Last evaluated: 2019-03-31. Review status: criteria provided, single submitter. Criteria: Athena Diagnostics Criteria. Collection method: clinical testing. Allele origin: germline.

PreventionGenetics, part of Exact Sciences
Classification: Likely benign for TTBK2-related condition. Last evaluated: 2024-07-19. Review status: no assertion criteria provided. Collection method: clinical testing. Allele origin: germline. Not counted in ClinVar's aggregate classification.
Comment: This variant is classified as likely benign based on ACMG/AMP sequence variant interpretation guidelines (Richards et al. 2015 PMID: 25741868, with internal and published modifications).

NM_173500.4(TTBK2):c.1618C>T (p.Leu540=)

Gene: TTBK2 (tau tubulin kinase 2; minus strand). Cytogenetic location: 15q15.2.
Variant type: single nucleotide variant.
Coding change: c.1618C>T on transcript NM_173500.4 (MANE Select); coding-DNA position 1618, C replaced by T.
Protein change: p.Leu540=; no amino-acid change (leucine 540 retained).
Molecular consequence: synonymous variant.
Genome position (GRCh38, 1-based): chr15:42,775,515, G>A on the plus strand (C>T on the coding strand, the complement: TTBK2 is on the minus strand). VCF-style: chr15-42775515-G-A. GRCh37 (hg19) VCF-style: chr15-43067713-G-A.
Identifiers: ClinVar variation 805616 (VCV000805616.48), dbSNP rs369686818, ClinGen allele CA7516859.